The following is an entry in ClinVar:

NM_000478.6(ALPL):c.1114C>G (p.Leu372Val)

Gene: ALPL (alkaline phosphatase, biomineralization associated; plus strand). Cytogenetic location: 1p36.12.
Variant type: single nucleotide variant.
Coding change: c.1114C>G on transcript NM_000478.6 (MANE Select); coding-DNA position 1114, C replaced by G.
Protein change: p.Leu372Val; replaces leucine 372 with valine.
Molecular consequence: missense variant.
Genome position (GRCh38, 1-based): chr1:21,575,849, C>G. VCF-style: chr1-21575849-C-G. GRCh37 (hg19) VCF-style: chr1-21902342-C-G.
Other names: c.949C>G, p.Leu317Val (NM_001127501.4); c.883C>G, p.Leu295Val (NM_001177520.3); c.1114C>G, p.Leu372Val (NM_001369803.2, NM_001369804.2, NM_001369805.2); short protein forms L295V, L317V, L372V.
Identifiers: ClinVar variation 4774401 (VCV004774401.1).

ClinVar aggregate classification (germline): Uncertain significance (1 of 4 stars; one submission).

Submission:

Labcorp Genetics (formerly Invitae), Labcorp
Classification: Uncertain significance. Last evaluated: 2025-06-06. Review status: criteria provided, single submitter. Criteria: Invitae Variant Classification Sherloc (09022015). Collection method: clinical testing. Allele origin: germline.
Comment: This sequence change replaces leucine, which is neutral and non-polar, with valine, which is neutral and non-polar, at codon 372 of the ALPL protein (p.Leu372Val). This variant is present in population databases (no rsID available, gnomAD 0.006%). This variant has not been reported in the literature in individuals affected with ALPL-related conditions. Invitae Evidence Modeling of protein sequence and biophysical properties (such as structural, functional, and spatial information, amino acid conservation, physicochemical variation, residue mobility, and thermodynamic stability) indicates that this missense variant is expected to disrupt ALPL protein function with a positive predictive value of 95%. In summary, the available evidence is currently insufficient to determine the role of this variant in disease. Therefore, it has been classified as a Variant of Uncertain Significance.